The following is an entry in ClinVar:

ClinVar aggregate classification (germline): Benign (1 of 4 stars; one submission).

Conditions:
Leigh syndrome (NULS). Also called: Leigh's necrotizing encephalopathy; Leigh's disease; Leigh's syndrome; LEIGH SYNDROME, NUCLEAR; Leigh Syndrome (mtDNA deletion); Leigh Disease. Identifiers: Orphanet 506, MedGen C2931891, MONDO:0009723, OMIM 256000.

Submission:

Wong Mito Lab, Molecular and Human Genetics, Baylor College of Medicine
Classification: Benign for Leigh syndrome. Last evaluated: 2019-10-17. Review status: criteria provided, single submitter. Criteria: Modified ACMG Guidelines (Unpublished). Collection method: clinical testing. Allele origin: germline.
Comment: The NC_012920.1:m.14970A>G (YP_003024038.1:p.Tyr75Cys) variant in MTCYB gene is interpretated to be a Benign variant based on the modified ACMG guidelines (unpublished). This variant meets the following evidence codes: BS1, BS4

NC_012920.1(MT-CYB):m.14970A>G

Gene: MT-CYB (mitochondrially encoded cytochrome b; plus strand).
Variant type: single nucleotide variant.
Genome position: chrM-14970-A-G.
Identifiers: ClinVar variation 693798 (VCV000693798.1), dbSNP rs1556424510, ClinGen allele CA913172591.